The following is an entry in ClinVar:

NM_000376.3(VDR):c.191G>A (p.Gly64Glu)

Gene: VDR (vitamin D receptor; minus strand). Cytogenetic location: 12q13.11.
Variant type: single nucleotide variant.
Coding change: c.191G>A on transcript NM_000376.3 (MANE Select); coding-DNA position 191, G replaced by A.
Protein change: p.Gly64Glu; replaces glycine 64 with glutamic acid.
Molecular consequence: missense variant.
Genome position (GRCh38, 1-based): chr12:47,865,133, C>T on the plus strand (G>A on the coding strand, the complement: VDR is on the minus strand). VCF-style: chr12-47865133-C-T. GRCh37 (hg19) VCF-style: chr12-48258916-C-T.
Other names: c.191G>A, p.Gly64Glu (NM_001017535.2, NM_001364085.2, NM_001374661.1 and 1 more transcripts); c.341G>A, p.Gly114Glu (NM_001017536.2); short protein forms G64E, G114E.
Identifiers: ClinVar variation 1957857 (VCV001957857.5), dbSNP rs1388388273, ClinGen allele CA384511596.

ClinVar aggregate classification (germline): Uncertain significance (1 of 4 stars; one submission).

Allele frequency attached by ClinVar (database versions not stated): TOPMed 0.00001.

Submission:

Labcorp Genetics (formerly Invitae), Labcorp
Classification: Uncertain significance. Last evaluated: 2022-11-01. Review status: criteria provided, single submitter. Criteria: Invitae Variant Classification Sherloc (09022015). Collection method: clinical testing. Allele origin: germline.
Comment: In summary, the available evidence is currently insufficient to determine the role of this variant in disease. Therefore, it has been classified as a Variant of Uncertain Significance. Advanced modeling of protein sequence and biophysical properties (such as structural, functional, and spatial information, amino acid conservation, physicochemical variation, residue mobility, and thermodynamic stability) performed at Invitae indicates that this missense variant is not expected to disrupt VDR protein function. This variant has not been reported in the literature in individuals affected with VDR-related conditions. This variant is not present in population databases (gnomAD no frequency). This sequence change replaces glycine, which is neutral and non-polar, with glutamic acid, which is acidic and polar, at codon 64 of the VDR protein (p.Gly64Glu).